The following is an entry in ClinVar:

NM_001037.5(SCN1B):c.448+10G>C

Gene: SCN1B (sodium voltage-gated channel beta subunit 1; plus strand). Cytogenetic location: 19q13.11.
Variant type: single nucleotide variant.
Coding change: c.448+10G>C on transcript NM_001037.5 (MANE Select); 10 bases into the intron after coding-DNA position 448, G replaced by C.
Molecular consequence: intron variant. On other transcripts: missense variant (1).
Genome position (GRCh38, 1-based): chr19:35,033,749, G>C. VCF-style: chr19-35033749-G-C. GRCh37 (hg19) VCF-style: chr19-35524653-G-C.
Other names: c.458G>C, p.Gly153Ala (NM_199037.5); c.349+10G>C (NM_001321605.2); short protein forms G153A.
Identifiers: ClinVar variation 444459 (VCV000444459.47), dbSNP rs959703607, ClinGen allele CA405329090.
Genomic context (GRCh38, chr19:35,033,749, plus strand): 5'-AGCACAACACCAGCGTCGTCAAGAAGATCCACATTGAGGTAGTGGACAAAGGTGAGTCGG[G>C]TGCTGCCTGCCCCTTTACCGTCACCCACCGGAGAGCCAGATGGAGGGACAGATGGCAGGC-3'

ClinVar aggregate classification (germline): Uncertain significance. Review status: criteria provided, multiple submitters, no conflicts (2 of 4 stars). 2 submissions from 2 submitters: Uncertain significance (2). Last evaluated 2023-12-16.

Conditions:
Brugada syndrome 5 (BRGDA5). Identifiers: Orphanet 130, Orphanet 871, MedGen C2748541, MONDO:0013015, OMIM 612838.

Submissions (2):

Labcorp Genetics (formerly Invitae), Labcorp
Classification: Uncertain significance for Brugada syndrome 5. Last evaluated: 2023-12-16. Review status: criteria provided, single submitter. Criteria: Invitae Variant Classification Sherloc (09022015). Collection method: clinical testing. Allele origin: germline.
Comment: This sequence change replaces glycine, which is neutral and non-polar, with alanine, which is neutral and non-polar, at codon 153 of the SCN1B protein (p.Gly153Ala). This variant is present in population databases (no rsID available, gnomAD 0.0009%). This variant has not been reported in the literature in individuals affected with SCN1B-related conditions. ClinVar contains an entry for this variant (Variation ID: 444459). Algorithms developed to predict the effect of missense changes on protein structure and function output the following: SIFT: "Not Available"; PolyPhen-2: "Benign"; Align-GVGD: "Not Available". The alanine amino acid residue is found in multiple mammalian species, which suggests that this missense change does not adversely affect protein function. In summary, the available evidence is currently insufficient to determine the role of this variant in disease. Therefore, it has been classified as a Variant of Uncertain Significance.

CeGaT Center for Human Genetics Tuebingen
Classification: Uncertain significance. Last evaluated: 2017-02-01. Review status: criteria provided, single submitter. Criteria: CeGaT Center For Human Genetics Tuebingen Variant Classification Criteria Version 2. Collection method: clinical testing. Allele origin: germline. Affected: yes. Observed: 1 variant allele.